The following is an entry in ClinVar:

ClinVar aggregate classification (germline): Pathogenic (1 of 4 stars; one submission).

Submission:

Labcorp Genetics (formerly Invitae), Labcorp
Classification: Pathogenic. Last evaluated: 2023-07-13. Review status: criteria provided, single submitter. Criteria: Invitae Variant Classification Sherloc (09022015). Collection method: clinical testing. Allele origin: unknown.
Comment: This variant results in the deletion of exons 35-37 and part of exon 38 (c.4209+487_4773del) of the CDH23 gene. It is expected to disrupt RNA splicing. Variants that disrupt the donor or acceptor splice site typically lead to a loss of protein function (PMID: 16199547), and loss-of-function variants in CDH23 are known to be pathogenic (PMID: 11138009, 21940737). This variant has been observed in individuals with deafness (Invitae). For these reasons, this variant has been classified as Pathogenic.

Literature cited by the submitters: PubMed 16199547; PubMed 11138009; PubMed 21940737.

NC_000010.10:g.(?_73494902)_(73501606_?)del

Genes: C10orf105 (chromosome 10 open reading frame 105; minus strand), CDH23 (cadherin related 23; plus strand). Cytogenetic location: 10q22.1.
Variant type: Deletion.
Identifiers: ClinVar variation 3245009 (VCV003245009.1).